The following is an entry in ClinVar:

ClinVar aggregate classification (germline): Uncertain significance (1 of 4 stars; one submission).

Conditions:
Hereditary cancer-predisposing syndrome. Also called: Neoplastic Syndromes, Hereditary; Tumor predisposition; Hereditary Cancer Syndrome; Hereditary neoplastic syndrome. Identifiers: Orphanet 140162, MedGen C0027672, MeSH D009386, MONDO:0015356.

Submission:

Ambry Genetics
Classification: Uncertain significance for Hereditary cancer-predisposing syndrome. Last evaluated: 2022-05-27. Review status: criteria provided, single submitter. Criteria: Ambry Variant Classification Scheme 2023. Collection method: clinical testing. Allele origin: germline.
Comment: The p.E653D variant (also known as c.1959G>C), located in coding exon 15 of the BAP1 gene, results from a G to C substitution at nucleotide position 1959. The glutamic acid at codon 653 is replaced by aspartic acid, an amino acid with highly similar properties. This amino acid position is highly conserved in available vertebrate species. In addition, the in silico prediction for this alteration is inconclusive. Since supporting evidence is limited at this time, the clinical significance of this alteration remains unclear.

NM_004656.4(BAP1):c.1959G>C (p.Glu653Asp)

Gene: BAP1 (BRCA1 associated deubiquitinase 1; minus strand). Cytogenetic location: 3p21.1.
Variant type: single nucleotide variant.
Coding change: c.1959G>C on transcript NM_004656.4 (MANE Select); coding-DNA position 1959, G replaced by C.
Protein change: p.Glu653Asp; replaces glutamic acid 653 with aspartic acid.
Molecular consequence: missense variant.
Genome position (GRCh38, 1-based): chr3:52,402,803, C>G on the plus strand (G>C on the coding strand, the complement: BAP1 is on the minus strand). VCF-style: chr3-52402803-C-G. GRCh37 (hg19) VCF-style: chr3-52436819-C-G.
Other names: c.1905G>C, p.Glu635Asp (NM_001410772.1); short protein forms E635D, E653D.
Identifiers: ClinVar variation 1783374 (VCV001783374.2), dbSNP rs751219874, ClinGen allele CA353096569.
Genomic context (GRCh38, chr3:52,402,803, plus strand): 5'-GAGAGGCCAGATCAGGCAACTGGAGAAATCACCCACCTTGAACTTCTTCCTCTTCTCTAC[C>G]TCCTCCTTGAGGCACGCCTCATAGTTTGCAATCTCAGCCTCCACACACTTCAGCAGTGCC-3'
Protein context (NP_004647.1, residues 643-663): IANYEACLKE[Glu653Asp]VEKRKKFKID